The following is an entry in ClinVar:

ClinVar aggregate classification (germline): Likely benign. Review status: criteria provided, multiple submitters, no conflicts (2 of 4 stars). 2 submissions from 2 submitters: Likely benign (2). Last evaluated 2025-04-24.

Allele frequency attached by ClinVar (database versions not stated): TOPMed below 0.00001; gnomAD 0.00001.
gnomAD v4.1: 21 of 1,613,964 alleles (0.0013%); highest among the groups gnomAD compares: Non-Finnish European, 0.0017%; no homozygotes.

Submissions (2):

Athena Diagnostics
Classification: Likely benign. Last evaluated: 2025-04-24. Review status: criteria provided, single submitter. Criteria: Athena Diagnostics Criteria. Collection method: clinical testing. Allele origin: unknown.
Comment: Computational tools yielded predictions that this variant is unlikely to have an effect on normal RNA splicing. This nucleotide position exhibits low evolutionary conservation.

Labcorp Genetics (formerly Invitae), Labcorp
Classification: Likely benign. Last evaluated: 2023-08-24. Review status: criteria provided, single submitter. Criteria: Invitae Variant Classification Sherloc (09022015). Collection method: clinical testing. Allele origin: germline.

NM_020247.5(COQ8A):c.1560C>T (p.Asp520=)

Gene: COQ8A (coenzyme Q8A; plus strand). Cytogenetic location: 1q42.13.
Variant type: single nucleotide variant.
Coding change: c.1560C>T on transcript NM_020247.5 (MANE Select); coding-DNA position 1560, C replaced by T.
Protein change: p.Asp520=; no amino-acid change (aspartic acid 520 retained).
Molecular consequence: synonymous variant.
Genome position (GRCh38, 1-based): chr1:226,984,929, C>T. VCF-style: chr1-226984929-C-T. GRCh37 (hg19) VCF-style: chr1-227172630-C-T.
Other names: c.1560C>T (NM_020247.4).
Identifiers: ClinVar variation 3012578 (VCV003012578.4), dbSNP rs1391323340, ClinGen allele CA423528427.